The following is an entry in ClinVar:

NM_003640.5(ELP1):c.-155A>T

Gene: ELP1 (elongator acetyltransferase complex subunit 1; minus strand). Cytogenetic location: 9q31.3.
Variant type: single nucleotide variant.
Coding change: c.-155A>T on transcript NM_003640.5 (MANE Select); 155 bases upstream of the start codon, A replaced by T.
Molecular consequence: 5 prime UTR variant.
Genome position (GRCh38, 1-based): chr9:108,933,963, T>A on the plus strand (A>T on the coding strand, the complement: ELP1 is on the minus strand). VCF-style: chr9-108933963-T-A. GRCh37 (hg19) VCF-style: chr9-111696243-T-A.
Other names: c.-155A>T (LRG_251t1); c.-352A>T (NM_001318360.2); c.-1014A>T (NM_001330749.2).
Identifiers: ClinVar variation 364586 (VCV000364586.29), dbSNP rs117100816, ClinGen allele CA10628783.

ClinVar aggregate classification (germline): Conflicting classifications of pathogenicity. Review status: criteria provided, conflicting classifications (1 of 4 stars). 2 submissions from 2 submitters: Uncertain significance (1); Likely benign (1). Last evaluated 2023-04-01.

Conditions:
Familial dysautonomia. Also called: HSAN III; FD. Identifiers: Orphanet 1764, MedGen C0013364, MONDO:0009131, OMIM 223900. Disease mechanism: loss of function.

Allele frequency attached by ClinVar (database versions not stated): 1000 Genomes Project 0.00240; 1000 Genomes Project 30x 0.00265; TOPMed 0.00651.
gnomAD v4.1: 911 of 159,550 alleles (0.57%); highest among the groups gnomAD compares: Middle Eastern, 2.1%; 5 homozygotes.

Submissions (2):

CeGaT Center for Human Genetics Tuebingen
Classification: Likely benign. Last evaluated: 2023-04-01. Review status: criteria provided, single submitter. Criteria: CeGaT Center For Human Genetics Tuebingen Variant Classification Criteria Version 2. Collection method: clinical testing. Allele origin: germline. Affected: yes. Observed: 2 variant alleles.
Comment: ELP1: BS2

Illumina Laboratory Services, Illumina
Classification: Uncertain significance for Familial dysautonomia. Last evaluated: 2018-01-13. Review status: criteria provided, single submitter. Criteria: ICSL Variant Classification Criteria 13 December 2019. Collection method: clinical testing. Allele origin: germline.